The following is an entry in ClinVar:

ClinVar aggregate classification (germline): Pathogenic (1 of 4 stars; one submission).

Conditions:
Glycogen storage disease, type V (GSD5). Also called: MCARDLE DISEASE; MUSCLE GLYCOGEN PHOSPHORYLASE DEFICIENCY; MYOPHOSPHORYLASE DEFICIENCY; PYGM DEFICIENCY; McArdle type glycogen storage disease. Identifiers: Orphanet 368, MedGen C0017924, MONDO:0009293, OMIM 232600.

Submission:

Myriad Genetics, Inc.
Classification: Pathogenic for Glycogen storage disease, type V. Last evaluated: 2024-05-14. Review status: criteria provided, single submitter. Criteria: Myriad Autosomal Dominant, Autosomal Recessive and X-Linked Classification Criteria (2023). Collection method: clinical testing. Allele origin: unknown.
Comment: NM_005609.2(PYGM):c.580dupC(R194Pfs*59) is expected to be pathogenic in the context of glycogen storage disease, PYGM-related. This variant is predicted to lead to an abnormal or absent protein product due to the creation of a premature termination codon in PYGM, a gene where loss-of-function variants are known to be pathogenic. Please note: this variant was assessed in the context of healthy population screening.

NM_005609.4(PYGM):c.580dup (p.Arg194fs)

Gene: PYGM (glycogen phosphorylase, muscle associated; minus strand). Cytogenetic location: 11q13.1.
Variant type: Duplication.
Coding change: c.580dup on transcript NM_005609.4 (MANE Select); coding-DNA position 580, one base duplicated (C; older notation c.580dupC).
Protein change: p.Arg194fs; shifts the reading frame from arginine 194.
Molecular consequence: frameshift variant.
Genome position (GRCh38, 1-based): chr11:64,757,859, G duplicated on the plus strand (C on the coding strand, the reverse complement: PYGM is on the minus strand); the first of 3 consecutive G bases (chr11:64,757,859-64,757,861); duplicating any one gives the same sequence. VCF-style (leftmost placement, unchanged base first): chr11-64757858-C-CG. GRCh37 (hg19) VCF-style: chr11-64525330-C-CG.
Other names: c.316dup, p.Arg106fs (NM_001164716.1); short protein forms R106fs, R194fs.
Identifiers: ClinVar variation 5010823 (VCV005010823.1).